The following is an entry in ClinVar:

ClinVar aggregate classification (germline): Uncertain significance (1 of 4 stars; one submission).

Submission:

Greenwood Genetic Center Diagnostic Laboratories, Greenwood Genetic Center
Classification: Uncertain significance. Last evaluated: 2025-10-02. Review status: criteria provided, single submitter. Criteria: ACMG Guidelines, 2015. Collection method: clinical testing. Allele origin: germline. Affected: yes.
Comment: Gene of Uncertain Significance

NM_002953.4(RPS6KA1):c.757-3C>T

Gene: RPS6KA1 (ribosomal protein S6 kinase A1; plus strand). Cytogenetic location: 1p36.11.
Variant type: single nucleotide variant.
Coding change: c.757-3C>T on transcript NM_002953.4 (MANE Select); 3 bases into the intron before coding-DNA position 757, C replaced by T.
Molecular consequence: intron variant.
Genome position (GRCh38, 1-based): chr1:26,555,148, C>T. VCF-style: chr1-26555148-C-T. GRCh37 (hg19) VCF-style: chr1-26881639-C-T.
Other names: c.709-3C>T (NM_001330441.2); c.784-3C>T (NM_001006665.2).
Identifiers: ClinVar variation 4845604 (VCV004845604.1).